The following is an entry in ClinVar:

NM_000277.3(PAH):c.520A>G (p.Ile174Val)

Gene: PAH (phenylalanine hydroxylase; minus strand). Cytogenetic location: 12q23.2.
Variant type: single nucleotide variant.
Coding change: c.520A>G on transcript NM_000277.3 (MANE Select); coding-DNA position 520, A replaced by G.
Protein change: p.Ile174Val; replaces isoleucine 174 with valine.
Molecular consequence: missense variant.
Genome position (GRCh38, 1-based): chr12:102,855,322, T>C on the plus strand (A>G on the coding strand, the complement: PAH is on the minus strand). VCF-style: chr12-102855322-T-C. GRCh37 (hg19) VCF-style: chr12-103249100-T-C.
Other names: NM_000277.1(PAH):c.520A>G; c.520A>G, p.Ile174Val (NM_001354304.2); c.520A>G (NM_000277.2); short protein forms I174V.
Identifiers: ClinVar variation 102720 (VCV000102720.60), dbSNP rs199475632, ClinGen allele CA229603.

ClinVar aggregate classification (germline): Likely pathogenic. Review status: reviewed by expert panel (3 of 4 stars). 9 submissions from 9 submitters: Likely pathogenic (1). 8 of the submissions do not count toward it. Last evaluated 2018-08-10.

Conditions:
Phenylketonuria (PKU). Also called: OLIGOPHRENIA PHENYLPYRUVICA; Phenylketonurias; Phenylketonuria (PKU); FOLLING DISEASE. Identifiers: Orphanet 716, MedGen C0031485, MONDO:0009861, OMIM 261600. Disease mechanism: loss of function.

Allele frequency attached by ClinVar (database versions not stated): gnomAD exomes 0.00001; gnomAD 0.00001.
gnomAD v4.1: 6 of 1,613,940 alleles (0.00037%); highest among the groups gnomAD compares: African/African-American, 0.0013%; no homozygotes.

Submissions (9):

ClinGen PAH Variant Curation Expert Panel
Classification: Likely pathogenic for Phenylketonuria. Last evaluated: 2018-08-10. Review status: reviewed by expert panel. Criteria: ClinGen PAH ACMG Specifications v1. Collection method: curation. Allele origin: germline. Inheritance: Autosomal recessive inheritance.
Comment: PAH-specific ACMG/AMP criteria applied: PM2: Not found in any population databases; PP3: All predictors agree--damaging; PM3: Single patient IVS4+5G>T (null) / I174V (Bercovich 2008 PMID 18299955) (PMID:18299955); PP4: Two independent patients (one in Zschocke (PMID 10394930) and one in Bercovich (PMID 18299955) with "PKU". While no specific levels are mentioned, they are followed in clinic and were diagnosed with Phe >120umol/L. BH4 defect WAS NOT excluded in either paper.. In summary this variant meets criteria to be classified as likely pathogenic for phenylketonuria in an autosomal recessive manner based on the ACMG/AMP criteria applied as specified by the PAH Expert Panel: (PM2, PP3, PM3, PP4).

GeneDx
Classification: Pathogenic. Last evaluated: 2026-09-30. Review status: criteria provided, single submitter. Criteria: GeneDx Variant Classification Process June 2021. Collection method: clinical testing. Allele origin: germline. Not counted in ClinVar's aggregate classification.
Comment: Not observed at significant frequency in large population cohorts (gnomAD); In silico analysis suggests that this missense variant does not alter protein structure/function; This variant is associated with the following publications: (PMID: 17924342, 30311390, 23500595, 27121329, 10394930, 27308838, 29997390, 23357515, 22526846, 18299955, 18294361, 11385716, 32800687, 23942198, 32668217)

Natera, Inc.
Classification: Likely pathogenic for Phenylketonuria. Last evaluated: 2026-01-25. Review status: criteria provided, single submitter. Criteria: Natera Variant Classification Schema (03/2026). Collection method: clinical testing. Allele origin: germline. Not counted in ClinVar's aggregate classification.
Comment: The c.520A>G variant in PAH is a missense variant predicted to cause substitution of isoleucine to valine at amino acid 174. This variant is rare in the general population with a frequency below the threshold expected for the associated phenotype(s). This variant has been observed in one or more individuals affected with the associated recessive disease, as either homozygous or compound heterozygous with a second variant (PMID: 18299955, 22526846, 23942198, 32800687). A different variant at the same position has been determined to be Pathogenic or Likely Pathogenic. Computational prediction algorithms indicate this variant is likely to affect gene or protein function. Given the available evidence, this variant is classified as Likely Pathogenic.

CeGaT Center for Human Genetics Tuebingen
Classification: Pathogenic. Last evaluated: 2025-12-01. Review status: criteria provided, single submitter. Criteria: CeGaT Center For Human Genetics Tuebingen Variant Classification Criteria Version 2. Collection method: clinical testing. Allele origin: germline. Affected: yes. Observed: 2 variant alleles. Not counted in ClinVar's aggregate classification.
Comment: PAH: PM3:Strong, PM2, PM5, PP4:Moderate

Labcorp Genetics (formerly Invitae), Labcorp
Classification: Pathogenic for Phenylketonuria. Last evaluated: 2024-05-27. Review status: criteria provided, single submitter. Criteria: Invitae Variant Classification Sherloc (09022015). Collection method: clinical testing. Allele origin: germline. Not counted in ClinVar's aggregate classification.
Comment: This sequence change replaces isoleucine, which is neutral and non-polar, with valine, which is neutral and non-polar, at codon 174 of the PAH protein (p.Ile174Val). This variant is not present in population databases (gnomAD no frequency). This missense change has been observed in individual(s) with PAH-related conditions (PMID: 18299955, 22526846, 27121329). ClinVar contains an entry for this variant (Variation ID: 102720). Advanced modeling of protein sequence and biophysical properties (such as structural, functional, and spatial information, amino acid conservation, physicochemical variation, residue mobility, and thermodynamic stability) performed at Invitae indicates that this missense variant is not expected to disrupt PAH protein function with a negative predictive value of 80%. This variant disrupts the p.Ile174 amino acid residue in PAH. Other variant(s) that disrupt this residue have been observed in individuals with PAH-related conditions (PMID: 23842451), which suggests that this may be a clinically significant amino acid residue. For these reasons, this variant has been classified as Pathogenic.

Women's Health and Genetics/Laboratory Corporation of America, LabCorp
Classification: Pathogenic for Phenylketonuria. Last evaluated: 2019-08-05. Review status: criteria provided, single submitter. Criteria: LabCorp Variant Classification Summary - May 2015. Collection method: clinical testing. Allele origin: germline. Not counted in ClinVar's aggregate classification.
Comment: Variant summary: PAH c.520A>G (p.Ile174Val) results in a conservative amino acid change located in the Aromatic amino acid hydroxylase, C-terminal domain (IPR019774) of the encoded protein sequence. Four of five in-silico tools predict a damaging effect of the variant on protein function. The variant was absent in 251110 control chromosomes. c.520A>G has been reported in the literature in multiple individuals affected with Phenylalanine Hydroxylase Deficiency (mild-PKU/Non-PKU-HPA, Phenylketonuria)(Zschocke_1999, Bercovich_2008, Couce_2013, Yang_2001, Sterl_2013, Reblova_2013). These data indicate that the variant is very likely to be associated with disease. To our knowledge, no experimental evidence demonstrating an impact on protein function has been reported. Two clinical diagnostic laboratories (n=1, Likely pathogenic; n=1, VOUS) and one expert panel (Likely pathogenic, ClinGen) have submitted clinical-significance assessments for this variant to ClinVar after 2014 without evidence for independent evaluation. Based on the evidence outlined above, the variant was classified as pathogenic.

Eurofins Ntd Llc (ga)
Classification: Uncertain significance. Last evaluated: 2015-09-29. Review status: criteria provided, single submitter. Criteria: EGL Classification Definitions 2015. Collection method: clinical testing. Allele origin: germline. Observed: 1 variant allele, 1 heterozygote. Not counted in ClinVar's aggregate classification.

Counsyl
Classification: Likely pathogenic for Phenylketonuria. Last evaluated: 2017-06-02. Review status: no assertion criteria provided. Collection method: clinical testing. Allele origin: unknown. Not counted in ClinVar's aggregate classification.

DeBelle Laboratory for Biochemical Genetics, MUHC/MCH RESEARCH INSTITUTE
No classification provided. Review status: no classification provided. Collection method: not provided. Allele origin: not provided. Not counted in ClinVar's aggregate classification.

Literature cited by the submitters: PubMed 18299955 (cited by 5 submitters); PubMed 22526846 (cited by 4 submitters); PubMed 23942198 (cited by Natera, Inc.); PubMed 32800687 (cited by Natera, Inc.); PubMed 27121329 (cited by Labcorp Genetics (formerly Invitae), Labcorp and Counsyl); PubMed 23842451 (cited by Labcorp Genetics (formerly Invitae), Labcorp); PubMed 23500595 (cited by Women's Health and Genetics/Laboratory Corporation of America, LabCorp and Counsyl); PubMed 11385716 (cited by Women's Health and Genetics/Laboratory Corporation of America, LabCorp and Counsyl); PubMed 23357515 (cited by Women's Health and Genetics/Laboratory Corporation of America, LabCorp and Counsyl); PubMed 10394930 (cited by 3 submitters); PubMed 17924342 (cited by Counsyl); PubMed 18294361 (cited by Counsyl); PubMed 27308838 (cited by Counsyl).